The following is an entry in ClinVar:

ClinVar aggregate classification (germline): Uncertain significance. Review status: criteria provided, multiple submitters, no conflicts (2 of 4 stars). 3 submissions from 3 submitters: Uncertain significance (3). Last evaluated 2023-11-30.

Conditions:
Inborn genetic diseases. Identifiers: MedGen C0950123, MeSH D030342.
RYR1-related disorder. Also called: RYR1-related disorders; RYR1-related condition. Identifiers: MedGen CN239331.
Malignant hyperthermia, susceptibility to, 1 (MHS1). Also called: Anesthesia related hyperthermia; Malignant hyperpyrexia; Fulminating hyperpyrexia; Pharmacogenic myopathy; RYR1-Related Malignant Hyperthermia Susceptibility; Malignant hyperthermia suceptibility 1. Identifiers: Orphanet 423, MedGen C2930980, MONDO:0007783, OMIM 145600.

Allele frequency attached by ClinVar (database versions not stated): gnomAD exomes below 0.00001 and 0.00001; gnomAD 0.00001; TOPMed 0.00001.
gnomAD v4.1: 3 of 1,572,436 alleles (0.00019%); highest among the groups gnomAD compares: Admixed American, 0.0056%; no homozygotes.

Submissions (3):

All of Us Research Program, National Institutes of Health
Classification: Uncertain significance for Malignant hyperthermia, susceptibility to, 1. Last evaluated: 2023-11-30. Review status: criteria provided, single submitter. Criteria: ACMG Guidelines, 2015. Collection method: clinical testing. Allele origin: germline. Inheritance: Autosomal dominant inheritance. Observed: 1 variant allele, 1 heterozygote.
Comment: This study involves interpretation of variants in research participants for the purpose of population health screening. Participant phenotype was not available at the time of variant classification. Additional details can be found in publication PMID: 35346344, PMCID: PMC8962531

Labcorp Genetics (formerly Invitae), Labcorp
Classification: Uncertain significance for RYR1-related disorder. Last evaluated: 2022-11-23. Review status: criteria provided, single submitter. Criteria: Invitae Variant Classification Sherloc (09022015). Collection method: clinical testing. Allele origin: germline.
Comment: In summary, the available evidence is currently insufficient to determine the role of this variant in disease. Therefore, it has been classified as a Variant of Uncertain Significance. Advanced modeling of protein sequence and biophysical properties (such as structural, functional, and spatial information, amino acid conservation, physicochemical variation, residue mobility, and thermodynamic stability) performed at Invitae indicates that this missense variant is expected to disrupt RYR1 protein function. ClinVar contains an entry for this variant (Variation ID: 521161). This missense change has been observed in individual(s) with clinical features of autosomal recessive RYR1-related conditions (Invitae). In at least one individual the data is consistent with being in trans (on the opposite chromosome) from a pathogenic variant. The frequency data for this variant in the population databases is considered unreliable, as metrics indicate poor data quality at this position in the gnomAD database. This sequence change replaces serine, which is neutral and polar, with phenylalanine, which is neutral and non-polar, at codon 3217 of the RYR1 protein (p.Ser3217Phe).

Ambry Genetics
Classification: Uncertain significance for Inborn genetic diseases. Last evaluated: 2017-01-03. Review status: criteria provided, single submitter. Criteria: Ambry exome assertion method (8-5-2015). Collection method: clinical testing. Allele origin: germline. Affected: yes. Observed: 1 variant allele.

Literature cited by the submitters: PubMed 19191329 (cited by Ambry Genetics).

NM_000540.3(RYR1):c.9650C>T (p.Ser3217Phe)

Gene: RYR1 (ryanodine receptor 1; plus strand). Cytogenetic location: 19q13.2.
Variant type: single nucleotide variant.
Coding change: c.9650C>T on transcript NM_000540.3 (MANE Select); coding-DNA position 9650, C replaced by T.
Protein change: p.Ser3217Phe; replaces serine 3217 with phenylalanine.
Molecular consequence: missense variant.
Genome position (GRCh38, 1-based): chr19:38,516,182, C>T. VCF-style: chr19-38516182-C-T. GRCh37 (hg19) VCF-style: chr19-39006822-C-T.
Other names: c.9650C>T, p.Ser3217Phe (NM_001042723.2); short protein forms S3217F.
Identifiers: ClinVar variation 521161 (VCV000521161.11), dbSNP rs1283174775, ClinGen allele CA405690618.
Genomic context (GRCh38, chr19:38,516,182, plus strand): 5'-TGGCAGCAGCCATGCCGGTGGCGTTCCTGGAGCCGCAGCTGAACGAGTACAACGCCTGCT[C>T]CGTGTACACCACCAAGTCTCCGCGGGAGCGGGCCAGTAAGCTGTGTGGGGCGGGAGCAGT-3'
Protein context (NP_000531.2, residues 3207-3227): EPQLNEYNAC[Ser3217Phe]VYTTKSPRER